The following is an entry in ClinVar:

ClinVar aggregate classification (germline): Uncertain significance (1 of 4 stars; one submission).

Conditions:
Curry-Hall syndrome (WAD). Also called: WEYERS ACRODENTAL DYSOSTOSIS. Identifiers: Orphanet 952, MedGen C0457013, MONDO:0008673, OMIM 193530.
Ellis-van Creveld syndrome (EVC). Also called: EVC-Related Ellis-van Creveld Syndrome; EVC2-Related Ellis-van Creveld Syndrome; MESOECTODERMAL DYSPLASIA; Chondroectodermal dysplasia. Identifiers: Orphanet 289, MedGen C0013903, MONDO:0009162, OMIM 225500.

Submission:

Labcorp Genetics (formerly Invitae), Labcorp
Classification: Uncertain significance for Curry-Hall syndrome; Ellis-van Creveld syndrome. Last evaluated: 2025-01-06. Review status: criteria provided, single submitter. Criteria: Invitae Variant Classification Sherloc (09022015). Collection method: clinical testing. Allele origin: germline.
Comment: This sequence change replaces valine, which is neutral and non-polar, with serine, which is neutral and polar, at codon 1182 of the EVC2 protein (p.Val1182Ser). Information on the frequency of this variant in the gnomAD database is not available, as this variant may be reported differently in the database. This variant has not been reported in the literature in individuals affected with EVC2-related conditions. An algorithm developed to predict the effect of missense changes on protein structure and function (PolyPhen-2) suggests that this variant is likely to be tolerated. In summary, the available evidence is currently insufficient to determine the role of this variant in disease. Therefore, it has been classified as a Variant of Uncertain Significance.

NM_147127.5(EVC2):c.3544_3545delinsTC (p.Val1182Ser)

Gene: EVC2 (EvC ciliary complex subunit 2; minus strand). Cytogenetic location: 4p16.2.
Variant type: Indel.
Coding change: c.3544_3545delinsTC on transcript NM_147127.5 (MANE Select); coding-DNA positions 3544 to 3545, GT replaced by TC.
Protein change: p.Val1182Ser; replaces valine 1182 with serine.
Molecular consequence: missense variant.
Genome position (GRCh38, 1-based): chr4:5,568,456-5,568,457, AC replaced by GA on the plus strand (GT replaced by TC on the coding strand, the reverse complement: EVC2 is on the minus strand). VCF-style: chr4-5568456-AC-GA. GRCh37 (hg19) VCF-style: chr4-5570183-AC-GA.
Other names: c.3304_3305delinsTC, p.Val1102Ser (NM_001166136.2); short protein forms V1102S, V1182S.
Identifiers: ClinVar variation 3763835 (VCV003763835.2).
Genomic context (GRCh38, chr4:5,568,456, plus strand): 5'-TTGTGGACAGGGACGTGCCCCGGGAGGCAGCCCCTCCACGGCACTCACCTCCGCCTGCCC[AC>GA]GTCGGCCTGCTCCGCTCCGCCATCGCTCTCAGCTGCGTGGTCCACATGTCTCTCGGTGGC-3'
Protein context (NP_667338.3, residues 1172-1192): ESDGGAEQAD[Val1182Ser]GRRRKHQSWW